The following is an entry in ClinVar:

NC_012920.1(MT-ND5):m.12937A>G

Gene: MT-ND5 (mitochondrially encoded NADH dehydrogenase 5; plus strand).
Variant type: single nucleotide variant.
Genome position: chrM-12937-A-G.
Identifiers: ClinVar variation 693501 (VCV000693501.2), dbSNP rs201612920, ClinGen allele CA337099575.

ClinVar aggregate classification (germline): Benign. Review status: criteria provided, multiple submitters, no conflicts (2 of 4 stars). 2 submissions from 2 submitters: Benign (2). Last evaluated 2025-02-16.

Conditions:
Leigh syndrome (NULS). Also called: Leigh's necrotizing encephalopathy; Leigh's disease; Leigh Syndrome (mtDNA deletion); Leigh Disease; Subacute necrotizing encephalopathy; Necrotizing encephalopathy infantile subacute of Leigh. Identifiers: Orphanet 506, MedGen C2931891, MONDO:0009723, OMIM 256000.

Submissions (2):

Laboratory of Genetics, Children's Clinical University Hospital Latvia
Classification: Benign. Last evaluated: 2025-02-16. Review status: criteria provided, single submitter. Criteria: ACMG Guidelines, 2015. Collection method: clinical testing. Allele origin: germline. Affected: yes.

Wong Mito Lab, Molecular and Human Genetics, Baylor College of Medicine
Classification: Benign for Leigh syndrome. Last evaluated: 2019-10-17. Review status: criteria provided, single submitter. Criteria: Modified ACMG Guidelines (Unpublished). Collection method: clinical testing. Allele origin: germline.
Comment: The NC_012920.1:m.12937A>G (YP_003024036.1:p.Met201Val) variant in MTND5 gene is interpretated to be a Benign variant based on the modified ACMG guidelines (unpublished). This variant meets the following evidence codes: BS1, BS2, BP4